The following is an entry in ClinVar:

NM_002292.4(LAMB2):c.2984T>C (p.Met995Thr)

Gene: LAMB2 (laminin subunit beta 2; minus strand). Cytogenetic location: 3p21.31.
Variant type: single nucleotide variant.
Coding change: c.2984T>C on transcript NM_002292.4 (MANE Select); coding-DNA position 2984, T replaced by C.
Protein change: p.Met995Thr; replaces methionine 995 with threonine.
Molecular consequence: missense variant.
Genome position (GRCh38, 1-based): chr3:49,124,826, A>G on the plus strand (T>C on the coding strand, the complement: LAMB2 is on the minus strand). VCF-style: chr3-49124826-A-G. GRCh37 (hg19) VCF-style: chr3-49162259-A-G.
Other names: c.2984T>C (NM_002292.3); short protein forms M995T.
Identifiers: ClinVar variation 1019223 (VCV001019223.7), dbSNP rs769328932, ClinGen allele CA74480088.

ClinVar aggregate classification (germline): Conflicting classifications of pathogenicity. Review status: criteria provided, conflicting classifications (1 of 4 stars). 3 submissions from 3 submitters: Uncertain significance (2); Likely benign (1). Last evaluated 2025-03-06.

Conditions:
Pierson syndrome. Also called: MICROCORIA-CONGENITAL NEPHROTIC SYNDROME. Identifiers: Orphanet 2670, MedGen C1836876, MONDO:0012184, OMIM 609049.
LAMB2-related infantile-onset nephrotic syndrome. Also called: Nephrotic Syndrome, type 5; NEPHROTIC SYNDROME, TYPE 5, WITHOUT OCULAR ABNORMALITIES; NEPHROTIC SYNDROME, TYPE 5, WITH OCULAR ABNORMALITIES. Identifiers: Orphanet 306507, MedGen C3280113, MONDO:0013621, OMIM 614199.
Inborn genetic diseases. Identifiers: MedGen C0950123, MeSH D030342.

Allele frequency attached by ClinVar (database versions not stated): TOPMed below 0.00001; gnomAD 0.00001; gnomAD exomes 0.00001.
gnomAD v4.1: 19 of 1,614,010 alleles (0.0012%); highest among the groups gnomAD compares: Non-Finnish European, 0.0015%; no homozygotes.

Submissions (3):

Ambry Genetics
Classification: Likely benign for Inborn genetic diseases. Last evaluated: 2025-03-06. Review status: criteria provided, single submitter. Criteria: Ambry Variant Classification Scheme 2023. Collection method: clinical testing. Allele origin: germline.

Labcorp Genetics (formerly Invitae), Labcorp
Classification: Uncertain significance for LAMB2-related infantile-onset nephrotic syndrome; Pierson syndrome. Last evaluated: 2022-06-20. Review status: criteria provided, single submitter. Criteria: Invitae Variant Classification Sherloc (09022015). Collection method: clinical testing. Allele origin: germline.
Comment: In summary, the available evidence is currently insufficient to determine the role of this variant in disease. Therefore, it has been classified as a Variant of Uncertain Significance. This sequence change replaces methionine, which is neutral and non-polar, with threonine, which is neutral and polar, at codon 995 of the LAMB2 protein (p.Met995Thr). This variant is not present in population databases (gnomAD no frequency). This variant has not been reported in the literature in individuals affected with LAMB2-related conditions. ClinVar contains an entry for this variant (Variation ID: 1019223). Algorithms developed to predict the effect of missense changes on protein structure and function output the following: SIFT: "Tolerated"; PolyPhen-2: "Benign"; Align-GVGD: "Class C0". The threonine amino acid residue is found in multiple mammalian species, which suggests that this missense change does not adversely affect protein function.

Fulgent Genetics
Classification: Uncertain significance for Pierson syndrome; LAMB2-related infantile-onset nephrotic syndrome. Last evaluated: 2022-02-03. Review status: criteria provided, single submitter. Criteria: ACMG Guidelines, 2015. Collection method: clinical testing. Allele origin: unknown.